The following is an entry in ClinVar:

ClinVar aggregate classification (germline): Uncertain significance (1 of 4 stars; one submission).

Conditions:
GNAS-related disorder. Identifiers: MedGen CN380105.

gnomAD v4.1: 1 of 1,598,254 alleles (0.000063%); highest among the groups gnomAD compares: African/African-American, 0.0013%; no homozygotes.

Submission:

PreventionGenetics, part of Exact Sciences
Classification: Uncertain significance for GNAS-related condition. Last evaluated: 2025-02-06. Review status: criteria provided, single submitter. Criteria: ACMG Guidelines, 2015. Collection method: clinical testing. Allele origin: germline.
Comment: The GNAS c.383T>G variant is predicted to result in the amino acid substitution p.Val128Gly. To our knowledge, this variant has not been reported in the literature. This variant is reported in 0.011% of alleles in individuals of African descent in gnomAD. At this time, the clinical significance of this variant is uncertain due to the absence of conclusive functional and genetic evidence.

NM_080425.4(GNAS):c.570T>G (p.Gly190=)

Gene: GNAS (GNAS complex locus; plus strand). Cytogenetic location: 20q13.32.
Variant type: single nucleotide variant.
Coding change: c.570T>G on transcript NM_080425.4 (MANE Plus Clinical); coding-DNA position 570, T replaced by G.
Protein change: p.Gly190=; no amino-acid change (glycine 190 retained).
Molecular consequence: synonymous variant. On other transcripts: missense variant (2), intron variant (3).
Genome position (GRCh38, 1-based): chr20:58,853,835, T>G. VCF-style: chr20-58853835-T-G. GRCh37 (hg19) VCF-style: chr20-57428890-T-G.
Other names: c.383T>G, p.Val128Gly (NM_001309883.1, NM_001077490.3); c.570T>G, p.Gly190= (NM_001410913.1); c.*42+12949T>G (NM_016592.5); c.43+12949T>G (NM_001410912.1); c.-39+11960T>G (NM_001309861.2); short protein forms V128G.
Identifiers: ClinVar variation 4980808 (VCV004980808.1).